The following is an entry in ClinVar:

NM_006231.4(POLE):c.4913A>G (p.Asn1638Ser)

Gene: POLE (DNA polymerase epsilon, catalytic subunit; minus strand). Cytogenetic location: 12q24.33.
Variant type: single nucleotide variant.
Coding change: c.4913A>G on transcript NM_006231.4 (MANE Select); coding-DNA position 4913, A replaced by G.
Protein change: p.Asn1638Ser; replaces asparagine 1638 with serine.
Molecular consequence: missense variant.
Genome position (GRCh38, 1-based): chr12:132,642,545, T>C on the plus strand (A>G on the coding strand, the complement: POLE is on the minus strand). VCF-style: chr12-132642545-T-C. GRCh37 (hg19) VCF-style: chr12-133219131-T-C.
Other names: c.4913A>G (NM_006231.2); short protein forms N1638S.
Identifiers: ClinVar variation 565810 (VCV000565810.6), dbSNP rs771399151, ClinGen allele CA6892682.

ClinVar aggregate classification (germline): Conflicting classifications of pathogenicity. Review status: criteria provided, conflicting classifications (1 of 4 stars). 2 submissions from 2 submitters: Uncertain significance (1); Likely benign (1). Last evaluated 2025-11-24.

Conditions:
Hereditary cancer-predisposing syndrome. Also called: Hereditary neoplastic syndrome; Neoplastic Syndromes, Hereditary; Tumor predisposition; Hereditary Cancer Syndrome. Identifiers: Orphanet 140162, MedGen C0027672, MeSH D009386, MONDO:0015356.

Allele frequency attached by ClinVar (database versions not stated): gnomAD exomes below 0.00001 and 0.00001; ExAC 0.00002.
gnomAD v4.1: 2 of 1,613,526 alleles (0.00012%); highest among the groups gnomAD compares: Non-Finnish European, 0.00017%; no homozygotes.

Submissions (2):

Labcorp Genetics (formerly Invitae), Labcorp
Classification: Uncertain significance. Last evaluated: 2025-11-24. Review status: criteria provided, single submitter. Criteria: Invitae Variant Classification Sherloc (09022015). Collection method: clinical testing. Allele origin: germline.
Comment: This sequence change replaces asparagine, which is neutral and polar, with serine, which is neutral and polar, at codon 1638 of the POLE protein (p.Asn1638Ser). This variant is present in population databases (rs771399151, gnomAD 0.003%). This variant has not been reported in the literature in individuals affected with POLE-related conditions. ClinVar contains an entry for this variant (Variation ID: 565810). Invitae Evidence Modeling of protein sequence and biophysical properties (such as structural, functional, and spatial information, amino acid conservation, physicochemical variation, residue mobility, and thermodynamic stability) indicates that this missense variant is not expected to disrupt POLE protein function with a negative predictive value of 80%. In summary, the available evidence is currently insufficient to determine the role of this variant in disease. Therefore, it has been classified as a Variant of Uncertain Significance.

Ambry Genetics
Classification: Likely benign for Hereditary cancer-predisposing syndrome. Last evaluated: 2025-05-22. Review status: criteria provided, single submitter. Criteria: Ambry Variant Classification Scheme 2023. Collection method: clinical testing. Allele origin: germline.